The following is an entry in ClinVar:

ClinVar aggregate classification (germline): Uncertain significance (0 of 4 stars; one submission).

Submission:

Martin Pollak Laboratory,  Beth Israel Deaconess Medical Center
Classification: Uncertain significance. Review status: no assertion criteria provided. Collection method: not provided. Allele origin: unknown.
Comment: Lower UCa2+ group
ClinVar note: Converted during submission from unknown to Uncertain significance.

NM_001127898.4(CLCN5):c.867C>T (p.Cys289=)

Gene: CLCN5 (chloride voltage-gated channel 5; plus strand). Cytogenetic location: Xp11.23.
Variant type: single nucleotide variant.
Coding change: c.867C>T on transcript NM_001127898.4 (MANE Select); coding-DNA position 867, C replaced by T.
Protein change: p.Cys289=; no amino-acid change (cysteine 289 retained).
Molecular consequence: synonymous variant.
Genome position (GRCh38, 1-based): chrX:50,081,781, C>T. VCF-style: chrX-50081781-C-T. GRCh37 (hg19) VCF-style: chrX-49846438-C-T.
Other names: c.657C>T, p.Cys219= (NM_000084.5); c.867C>T, p.Cys289= (NM_001127899.4); c.717C>T, p.Cys239= (NM_001282163.2).
Identifiers: ClinVar variation 64376 (VCV000064376.2), dbSNP rs387907402, ClinGen allele CA216003.